The following is an entry in ClinVar:

ClinVar aggregate classification (germline): Uncertain significance (1 of 4 stars; one submission).

Submission:

Ambry Genetics
Classification: Uncertain significance. Last evaluated: 2022-12-01. Review status: criteria provided, single submitter. Criteria: Ambry Variant Classification Scheme 2023. Collection method: clinical testing. Allele origin: germline.
Comment: The p.P1672T variant (also known as c.5014C>A), located in coding exon 4 of the ALPK2 gene, results from a C to A substitution at nucleotide position 5014. The proline at codon 1672 is replaced by threonine, an amino acid with highly similar properties. This amino acid position is conserved. In addition, this alteration is predicted to be tolerated by in silico analysis. Since supporting evidence is limited at this time, the clinical significance of this alteration remains unclear.

NM_052947.4(ALPK2):c.5014C>A (p.Pro1672Thr)

Genes: ALPK2 (alpha kinase 2; minus strand), LOC130062577 (ATAC-STARR-seq lymphoblastoid active region 13389; plus strand). Cytogenetic location: 18q21.31.
Variant type: single nucleotide variant.
Coding change: c.5014C>A on transcript NM_052947.4 (MANE Select); coding-DNA position 5014, C replaced by A.
Protein change: p.Pro1672Thr; replaces proline 1672 with threonine.
Molecular consequence: missense variant.
Genome position (GRCh38, 1-based): chr18:58,535,173, G>T on the plus strand (C>A on the coding strand, the complement: ALPK2 is on the minus strand). VCF-style: chr18-58535173-G-T. GRCh37 (hg19) VCF-style: chr18-56202405-G-T.
Other names: short protein forms P1672T.
Identifiers: ClinVar variation 2449217 (VCV002449217.2), dbSNP rs1568077194, ClinGen allele CA402558895.